The following is an entry in ClinVar:

NM_001312673.2(PCYT1A):c.441G>A (p.Arg147=)

Genes: PCYT1A (phosphate cytidylyltransferase 1A, choline; minus strand), LOC126806932 (BRD4-independent group 4 enhancer GRCh37_chr3:195973646-195974845; plus strand). Cytogenetic location: 3q29.
Variant type: single nucleotide variant.
Coding change: c.441G>A on transcript NM_001312673.2 (MANE Select); coding-DNA position 441, G replaced by A.
Protein change: p.Arg147=; no amino-acid change (arginine 147 retained).
Molecular consequence: synonymous variant.
Genome position (GRCh38, 1-based): chr3:196,247,412, C>T on the plus strand (G>A on the coding strand, the complement: PCYT1A is on the minus strand). VCF-style: chr3-196247412-C-T. GRCh37 (hg19) VCF-style: chr3-195974283-C-T.
Other names: c.441G>A, p.Arg147= (NM_005017.4).
Identifiers: ClinVar variation 735613 (VCV000735613.13), dbSNP rs533990347, ClinGen allele CA2779533.

ClinVar aggregate classification (germline): Likely benign. Review status: criteria provided, multiple submitters, no conflicts (2 of 4 stars). 3 submissions from 3 submitters: Likely benign (2). 1 of the submissions does not count toward it. Last evaluated 2025-11-11.

Conditions:
PCYT1A-related disorder. Also called: PCYT1A-related condition.

Allele frequency attached by ClinVar (database versions not stated): gnomAD exomes 0.00016 and 0.00020; ExAC 0.00017; 1000 Genomes Project 0.00020; gnomAD 0.00026 and 0.00029; 1000 Genomes Project 30x 0.00031; TOPMed 0.00035.
gnomAD v4.1: 286 of 1,614,210 alleles (0.018%); highest among the groups gnomAD compares: Middle Eastern, 0.26%; 1 homozygote.

Submissions (3):

Labcorp Genetics (formerly Invitae), Labcorp
Classification: Likely benign. Last evaluated: 2025-11-11. Review status: criteria provided, single submitter. Criteria: Invitae Variant Classification Sherloc (09022015). Collection method: clinical testing. Allele origin: germline.

Blueprint Genetics
Classification: Likely benign. Last evaluated: 2024-10-17. Review status: criteria provided, single submitter. Criteria: ACMG Guidelines, 2015. Collection method: clinical testing. Allele origin: germline.

PreventionGenetics, part of Exact Sciences
Classification: Likely benign for PCYT1A-related condition. Last evaluated: 2019-09-18. Review status: no assertion criteria provided. Collection method: clinical testing. Allele origin: germline. Not counted in ClinVar's aggregate classification.
Comment: This variant is classified as likely benign based on ACMG/AMP sequence variant interpretation guidelines (Richards et al. 2015 PMID: 25741868, with internal and published modifications).